The following is an entry in ClinVar:

ClinVar aggregate classification (germline): Uncertain significance. Review status: criteria provided, multiple submitters, no conflicts (2 of 4 stars). 2 submissions from 2 submitters: Uncertain significance (2). Last evaluated 2025-12-21.

Conditions:
Long QT syndrome (LQTS). Identifiers: MedGen C0023976, MeSH D008133, MONDO:0002442. Disease mechanism: loss of function. Inheritance: Various modes of inheritance.

Submissions (2):

Labcorp Genetics (formerly Invitae), Labcorp
Classification: Uncertain significance for Long QT syndrome. Last evaluated: 2025-12-21. Review status: criteria provided, single submitter. Criteria: Invitae Variant Classification Sherloc (09022015). Collection method: clinical testing. Allele origin: germline.
Comment: This sequence change replaces serine, which is neutral and polar, with isoleucine, which is neutral and non-polar, at codon 654 of the KCNH2 protein (p.Ser654Ile). This variant is not present in population databases (gnomAD no frequency). This variant has not been reported in the literature in individuals affected with KCNH2-related conditions. An algorithm developed to predict the effect of missense changes on protein structure and function (PolyPhen-2) suggests that this variant is likely to be disruptive. In summary, the available evidence is currently insufficient to determine the role of this variant in disease. Therefore, it has been classified as a Variant of Uncertain Significance.

CeGaT Center for Human Genetics Tuebingen
Classification: Uncertain significance. Last evaluated: 2025-11-01. Review status: criteria provided, single submitter. Criteria: CeGaT Center For Human Genetics Tuebingen Variant Classification Criteria Version 2. Collection method: clinical testing. Allele origin: germline. Affected: yes. Observed: 1 variant allele.
Comment: KCNH2: PM2, PP2, PP3

NM_000238.4(KCNH2):c.1961G>T (p.Ser654Ile)

Gene: KCNH2 (potassium voltage-gated channel subfamily H member 2; minus strand). Cytogenetic location: 7q36.1.
Variant type: single nucleotide variant.
Coding change: c.1961G>T on transcript NM_000238.4 (MANE Select); coding-DNA position 1961, G replaced by T.
Protein change: p.Ser654Ile; replaces serine 654 with isoleucine.
Molecular consequence: missense variant. On other transcripts: non-coding transcript variant (2).
Genome position (GRCh38, 1-based): chr7:150,951,105, C>A on the plus strand (G>T on the coding strand, the complement: KCNH2 is on the minus strand). VCF-style: chr7-150951105-C-A. GRCh37 (hg19) VCF-style: chr7-150648193-C-A.
Other names: c.941G>T, p.Ser314Ile (NM_001204798.2, NM_172057.3); c.1673G>T, p.Ser558Ile (NM_001406753.1, NM_001406756.1); c.1784G>T, p.Ser595Ile (NM_001406755.1); c.1661G>T, p.Ser554Ile (NM_001406757.1); c.1961G>T, p.Ser654Ile (NM_172056.3); short protein forms S314I, S554I, S558I, S595I, S654I.
Identifiers: ClinVar variation 4535255 (VCV004535255.7).
Genomic context (GRCh38, chr7:150,951,105, plus strand): 5'-TGGTAGCGGGCTGTGCCCGAGTACAGCCGCTGGATGATGGCCGACACGTTGCCGAAGATG[C>A]TAGCATACATGAGGGCTGGGGGCGTGGGCACGTGGGGCCGTCAGCCTCTGCAGGGACCCC-3'
Protein context (NP_000229.1, residues 644-664): VMLIGSLMYA[Ser654Ile]IFGNVSAIIQ